The following is an entry in ClinVar:

ClinVar aggregate classification (germline): Pathogenic/Likely pathogenic. Review status: criteria provided, multiple submitters, no conflicts (2 of 4 stars). 2 submissions from 2 submitters: Pathogenic (1); Likely pathogenic (1). Last evaluated 2026-07-07.

Conditions:
Acute megakaryoblastic leukemia in down syndrome. Identifiers: Orphanet 99887, MedGen C5925108, MONDO:0020526.

Submissions (2):

GeneDx
Classification: Pathogenic. Last evaluated: 2026-07-07. Review status: criteria provided, single submitter. Criteria: GeneDx Variant Classification Process June 2021. Collection method: clinical testing. Allele origin: germline.
Comment: Frameshift variant predicted to result in protein truncation or nonsense mediated decay in a gene for which loss of function is a known mechanism of disease; Not observed at significant frequency in large population cohorts (gnomAD); Has not been previously published as pathogenic or benign, in association with a SUZ12-related phenotype to our knowledge; This variant is associated with the following publications: (PMID: 36645289)

Genomic Diagnostic Laboratory, Division of Genomic Diagnostics, Children's Hospital of Philadelphia
Classification: Likely pathogenic for Acute megakaryoblastic leukemia in down syndrome. Last evaluated: 2020-09-01. Review status: criteria provided, single submitter. Criteria: AMP Guidelines, 2017. Collection method: clinical testing. Allele origin: somatic. Affected: yes. Observed: 1 variant allele.

NM_015355.4(SUZ12):c.1150_1151del (p.Leu385fs)

Gene: SUZ12 (SUZ12 polycomb repressive complex 2 subunit; plus strand). Cytogenetic location: 17q11.2.
Variant type: Microsatellite.
Coding change: c.1150_1151del on transcript NM_015355.4 (MANE Select); coding-DNA positions 1150 to 1151, 2 bases deleted (AG; older notation c.1150_1151delAG).
Protein change: p.Leu385fs; shifts the reading frame from leucine 385.
Molecular consequence: frameshift variant.
Genome position (GRCh38, 1-based): chr17:31,988,446-31,988,447, AG deleted; deleting any 2 consecutive bases within chr17:31,988,442-31,988,447 gives the same sequence; the c. name uses the placement nearest the transcript's 3' end. VCF-style (leftmost placement, unchanged base first): chr17-31988441-CAG-C. GRCh37 (hg19) VCF-style: chr17-30315460-CAG-C.
Other names: c.1150_1151del (NM_015355.2); c.1081_1082del, p.Leu362fs (NM_001321207.2); short protein forms L362fs, L385fs.
Identifiers: ClinVar variation 998071 (VCV000998071.3), dbSNP rs1909527513, ClinGen allele CA645592625.
Genomic context (GRCh38, chr17:31,988,441, plus strand): 5'-CAGGAGAGACCAATGATAAATCTACGGCTCCTATTGCCAAACCTCTTGCCACTAGAAATT[CAG>C]AGAGTCTCCATCAGGAAAACAAGCCTGGTTCAGTTAAACCTACTCAAACTATTGGTAAGA-3'